The following is an entry in ClinVar:

ClinVar aggregate classification (germline): Uncertain significance. Review status: criteria provided, multiple submitters, no conflicts (2 of 4 stars). 3 submissions from 3 submitters: Uncertain significance (3). Last evaluated 2023-09-11.

Conditions:
Inborn genetic diseases. Identifiers: MedGen C0950123, MeSH D030342.

Allele frequency attached by ClinVar (database versions not stated): gnomAD 0.00002; gnomAD exomes 0.00003 and 0.00005; ExAC 0.00006.
gnomAD v4.1: 48 of 1,610,642 alleles (0.003%); highest among the groups gnomAD compares: South Asian, 0.052%; no homozygotes.

Submissions (3):

Blueprint Genetics
Classification: Uncertain significance. Last evaluated: 2023-09-11. Review status: criteria provided, single submitter. Criteria: ACMG Guidelines, 2015. Collection method: clinical testing. Allele origin: germline.

Ambry Genetics
Classification: Uncertain significance for Inborn genetic diseases. Last evaluated: 2023-01-23. Review status: criteria provided, single submitter. Criteria: Ambry Variant Classification Scheme 2023. Collection method: clinical testing. Allele origin: germline.

Labcorp Genetics (formerly Invitae), Labcorp
Classification: Uncertain significance. Last evaluated: 2022-04-19. Review status: criteria provided, single submitter. Criteria: Invitae Variant Classification Sherloc (09022015). Collection method: clinical testing. Allele origin: germline.
Comment: This sequence change replaces glycine, which is neutral and non-polar, with aspartic acid, which is acidic and polar, at codon 262 of the CDHR1 protein (p.Gly262Asp). This variant is present in population databases (rs748905962, gnomAD 0.04%). This variant has not been reported in the literature in individuals affected with CDHR1-related conditions. Algorithms developed to predict the effect of missense changes on protein structure and function output the following: SIFT: "Deleterious"; PolyPhen-2: "Possibly Damaging"; Align-GVGD: "Class C0". The aspartic acid amino acid residue is found in multiple mammalian species, which suggests that this missense change does not adversely affect protein function. Algorithms developed to predict the effect of sequence changes on RNA splicing suggest that this variant may create or strengthen a splice site. In summary, the available evidence is currently insufficient to determine the role of this variant in disease. Therefore, it has been classified as a Variant of Uncertain Significance.

NM_033100.4(CDHR1):c.785G>A (p.Gly262Asp)

Gene: CDHR1 (cadherin related family member 1; plus strand). Cytogenetic location: 10q23.1.
Variant type: single nucleotide variant.
Coding change: c.785G>A on transcript NM_033100.4 (MANE Select); coding-DNA position 785, G replaced by A.
Protein change: p.Gly262Asp; replaces glycine 262 with aspartic acid.
Molecular consequence: missense variant.
Genome position (GRCh38, 1-based): chr10:84,204,528, G>A. VCF-style: chr10-84204528-G-A. GRCh37 (hg19) VCF-style: chr10-85964284-G-A.
Other names: c.785G>A (NM_033100.2); c.785G>A, p.Gly262Asp (NM_001171971.3); short protein forms G262D.
Identifiers: ClinVar variation 1516636 (VCV001516636.7), dbSNP rs748905962, ClinGen allele CA5579708.